The following is an entry in ClinVar:

NM_005655.4(KLF10):c.1220A>G (p.Glu407Gly)

Gene: KLF10 (KLF transcription factor 10; minus strand). Cytogenetic location: 8q22.3.
Variant type: single nucleotide variant.
Coding change: c.1220A>G on transcript NM_005655.4 (MANE Select); coding-DNA position 1220, A replaced by G.
Protein change: p.Glu407Gly; replaces glutamic acid 407 with glycine.
Molecular consequence: missense variant. On other transcripts: non-coding transcript variant (2).
Genome position (GRCh38, 1-based): chr8:102,650,355, T>C on the plus strand (A>G on the coding strand, the complement: KLF10 is on the minus strand). VCF-style: chr8-102650355-T-C. GRCh37 (hg19) VCF-style: chr8-103662583-T-C.
Other names: c.1187A>G, p.Glu396Gly (NM_001032282.4); short protein forms E396G, E407G.
Identifiers: ClinVar variation 2756842 (VCV002756842.3), dbSNP rs2537068545, ClinGen allele CA371623178.

ClinVar aggregate classification (germline): Uncertain significance (1 of 4 stars; one submission).

Submission:

Labcorp Genetics (formerly Invitae), Labcorp
Classification: Uncertain significance. Last evaluated: 2023-08-30. Review status: criteria provided, single submitter. Criteria: Invitae Variant Classification Sherloc (09022015). Collection method: clinical testing. Allele origin: germline.
Comment: In summary, the available evidence is currently insufficient to determine the role of this variant in disease. Therefore, it has been classified as a Variant of Uncertain Significance. An algorithm developed to predict the effect of missense changes on protein structure and function (PolyPhen-2) suggests that this variant is likely to be disruptive. This variant has not been reported in the literature in individuals affected with KLF10-related conditions. This variant is not present in population databases (gnomAD no frequency). This sequence change replaces glutamic acid, which is acidic and polar, with glycine, which is neutral and non-polar, at codon 407 of the KLF10 protein (p.Glu407Gly).